The following is an entry in ClinVar:

ClinVar aggregate classification (germline): Conflicting classifications of pathogenicity. Review status: criteria provided, conflicting classifications (1 of 4 stars). 3 submissions from 3 submitters: Uncertain significance (2); Benign (1). Last evaluated 2026-01-07.

Conditions:
Keratosis follicularis (DAR). Also called: Darier disease; Darier's disease. Identifiers: Orphanet 218, MedGen C0022595, MONDO:0007417, OMIM 124200.

Allele frequency attached by ClinVar (database versions not stated): gnomAD exomes 0.00025; 1000 Genomes Project 30x 0.00031; TOPMed 0.00036; 1000 Genomes Project 0.00040; ESP Exome Variant Server 0.00046; ExAC 0.00048; gnomAD 0.00048.
gnomAD v4.1: 794 of 1,581,086 alleles (0.05%); highest among the groups gnomAD compares: Non-Finnish European, 0.064%; no homozygotes.

Submissions (3):

Labcorp Genetics (formerly Invitae), Labcorp
Classification: Uncertain significance. Last evaluated: 2026-01-07. Review status: criteria provided, single submitter. Criteria: Invitae Variant Classification Sherloc (09022015). Collection method: clinical testing. Allele origin: germline.
Comment: This sequence change replaces leucine, which is neutral and non-polar, with phenylalanine, which is neutral and non-polar, at codon 32 of the ATP2A2 protein (p.Leu32Phe). This variant is present in population databases (rs141335001, gnomAD 0.05%), and has an allele count higher than expected for a pathogenic variant. This missense change has been observed in individual(s) with Darier disease (PMID: 21519848, 23356892, 30345710). ClinVar contains an entry for this variant (Variation ID: 307160). Invitae Evidence Modeling of protein sequence and biophysical properties (such as structural, functional, and spatial information, amino acid conservation, physicochemical variation, residue mobility, and thermodynamic stability) indicates that this missense variant is not expected to disrupt ATP2A2 protein function with a negative predictive value of 80%. In summary, the available evidence is currently insufficient to determine the role of this variant in disease. Therefore, it has been classified as a Variant of Uncertain Significance.

Molecular Genetics, Royal Melbourne Hospital
Classification: Uncertain significance for Keratosis follicularis. Last evaluated: 2023-06-06. Review status: criteria provided, single submitter. Criteria: ACMG Guidelines, 2015. Collection method: clinical testing. Allele origin: germline. Inheritance: Autosomal dominant inheritance. Affected: yes.
Comment: This sequence change in ATP2A2 is predicted to replace leucine with phenylalanine at codon 32, p.(Leu32Phe). The leucine residue is moderately conserved (100 vertebrates, UCSC), and is located in the cation ATPase N domain. There is a small physicochemical difference between leucine and phenylalanine. The highest population minor allele frequency in the population database gnomAD v2.1 is 0.05% (53/107,582 alleles) in the European (non-Finnish) population. This variant has been reported in at least one individual with a diagnosis of Darier's disease (PMID: 23356892). Computational evidence predicts a benign effect for the missense substitution (REVEL = 0.213). Based on the classification scheme RMH Modified ACMG/AMP Guidelines v1.6.1, this variant is classified as a VARIANT OF UNCERTAIN SIGNIFICANCE. Following criteria are met: BP4.

Illumina Laboratory Services, Illumina
Classification: Benign for Keratosis follicularis. Last evaluated: 2018-01-13. Review status: criteria provided, single submitter. Criteria: ICSL Variant Classification Criteria 13 December 2019. Collection method: clinical testing. Allele origin: germline.
Comment: This variant was observed in the ICSL laboratory as part of a predisposition screen in an ostensibly healthy population. It had not been previously curated by ICSL or reported in the Human Gene Mutation Database (HGMD: prior to June 1st, 2018), and was therefore a candidate for classification through an automated scoring system. Utilizing variant allele frequency, disease prevalence and penetrance estimates, and inheritance mode, an automated score was calculated to assess if this variant is too frequent to cause the disease. Based on the score and internal cut-off values, a variant classified as benign is not then subjected to further curation. The score for this variant resulted in a classification of benign for this disease.

Literature cited by the submitters: PubMed 21519848 (cited by Labcorp Genetics (formerly Invitae), Labcorp); PubMed 23356892 (cited by Labcorp Genetics (formerly Invitae), Labcorp and Molecular Genetics, Royal Melbourne Hospital); PubMed 30345710 (cited by Labcorp Genetics (formerly Invitae), Labcorp).

NM_170665.4(ATP2A2):c.94C>T (p.Leu32Phe)

Gene: ATP2A2 (ATPase sarcoplasmic/endoplasmic reticulum Ca2+ transporting 2; plus strand). Cytogenetic location: 12q24.11.
Variant type: single nucleotide variant.
Coding change: c.94C>T on transcript NM_170665.4 (MANE Select); coding-DNA position 94, C replaced by T.
Protein change: p.Leu32Phe; replaces leucine 32 with phenylalanine.
Molecular consequence: missense variant.
Genome position (GRCh38, 1-based): chr12:110,281,883, C>T. VCF-style: chr12-110281883-C-T. GRCh37 (hg19) VCF-style: chr12-110719688-C-T.
Other names: c.94C>T, p.Leu32Phe (NM_001681.4); short protein forms L32F.
Identifiers: ClinVar variation 307160 (VCV000307160.9), dbSNP rs141335001, ClinGen allele CA6783577.